The following is an entry in ClinVar:

NM_000059.4(BRCA2):c.5106del (p.Glu1703fs)

Gene: BRCA2 (BRCA2 DNA repair associated; plus strand). Cytogenetic location: 13q13.1.
Variant type: Deletion.
Coding change: c.5106del on transcript NM_000059.4 (MANE Select); coding-DNA position 5106, one base deleted (A; older notation c.5106delA).
Protein change: p.Glu1703fs; shifts the reading frame from glutamic acid 1703.
Molecular consequence: frameshift variant. On other transcripts: non-coding transcript variant (1), intron variant (2).
Genome position (GRCh38, 1-based): chr13:32,339,461, A deleted. VCF-style (leftmost placement, unchanged base first): chr13-32339460-CA-C. GRCh37 (hg19) VCF-style: chr13-32913597-CA-C.
Other names: c.5106del, p.Glu1703fs (NM_001406719.1, NM_001406720.1, NM_001432077.1); c.1910-5097del (NM_001406721.1); c.425-5097del (NM_001406722.1); short protein forms E1703fs.
Identifiers: ClinVar variation 3904742 (VCV003904742.1).

ClinVar aggregate classification (germline): Pathogenic (1 of 4 stars; one submission).

Conditions:
Breast-ovarian cancer, familial, susceptibility to, 2 (BROVCA2). Also called: BRCA2 Hereditary Breast and Ovarian Cancer. Identifiers: Orphanet 145, MedGen C2675520, MONDO:0012933, OMIM 612555. Disease mechanism: loss of function.

Submission:

Myriad Genetics, Inc.
Classification: Pathogenic for Breast-ovarian cancer, familial, susceptibility to, 2. Last evaluated: 2025-03-17. Review status: criteria provided, single submitter. Criteria: Myriad Autosomal Dominant, Autosomal Recessive and X-Linked Classification Criteria (2023). Collection method: clinical testing. Allele origin: unknown.
Comment: This variant is considered pathogenic. This variant creates a frameshift predicted to result in premature protein truncation.